The following is an entry in ClinVar:

ClinVar aggregate classification (germline): Uncertain significance (1 of 4 stars; one submission).

Conditions:
Cone-rod dystrophy 2 (CORD2). Also called: CONE-ROD RETINAL DYSTROPHY; Cone-rod retinal dystrophy 2. Identifiers: Orphanet 1872, MedGen C3489532, MONDO:0007362, OMIM 120970.
Leber congenital amaurosis 7 (LCA7). Identifiers: Orphanet 65, MedGen C3151192, MONDO:0013449, OMIM 613829.

Submission:

Labcorp Genetics (formerly Invitae), Labcorp
Classification: Uncertain significance for Cone-rod dystrophy 2; Leber congenital amaurosis 7. Last evaluated: 2023-05-15. Review status: criteria provided, single submitter. Criteria: Invitae Variant Classification Sherloc (09022015). Collection method: clinical testing. Allele origin: unknown.
Comment: In summary, the available evidence is currently insufficient to determine the role of this variant in disease. Therefore, it has been classified as a Variant of Uncertain Significance. This variant has not been reported in the literature in individuals affected with CRX-related conditions. A copy number gain of the genomic region encompassing the full coding sequence of the CRX gene has been identified. The boundaries of this event are unknown as they extend beyond the assayed region for this gene and therefore may encompass additional genes. As the precise location of this event is unknown, it may be in tandem or it may be located elsewhere in the genome.

NC_000019.9:g.(?_48337701)_(48343224_?)dup

Gene: CRX (cone-rod homeobox; plus strand). Cytogenetic location: 19q13.33.
Variant type: Duplication.
Identifiers: ClinVar variation 3248512 (VCV003248512.1).